The following is an entry in ClinVar:

NM_001458.5(FLNC):c.6998C>G (p.Ala2333Gly)

Genes: FLNC (filamin C; plus strand), FLNC-AS1 (FLNC antisense RNA 1; minus strand). Cytogenetic location: 7q32.1.
Variant type: single nucleotide variant.
Coding change: c.6998C>G on transcript NM_001458.5 (MANE Select); coding-DNA position 6998, C replaced by G.
Protein change: p.Ala2333Gly; replaces alanine 2333 with glycine.
Molecular consequence: missense variant.
Genome position (GRCh38, 1-based): chr7:128,854,775, C>G. VCF-style: chr7-128854775-C-G. GRCh37 (hg19) VCF-style: chr7-128494829-C-G.
Other names: c.6899C>G, p.Ala2300Gly (NM_001127487.2); short protein forms A2300G, A2333G.
Identifiers: ClinVar variation 3515996 (VCV003515996.1).
Genomic context (GRCh38, chr7:128,854,775, plus strand): 5'-GTCAGGGCAGCCAGTGTGAGGGGCGATGATGCTGAAGTCCACTACCTTGCCTGTCCCCAG[C>G]CGAGTTCAGCATCTGGACCCGGGAGGCTGGCGCTGGGGGCCTGTCCATTGCTGTGGAGGG-3'
Protein context (NP_001449.3, residues 2323-2343): GLERGVAGVP[Ala2333Gly]EFSIWTREAG

ClinVar aggregate classification (germline): Uncertain significance (1 of 4 stars; one submission).

Conditions:
Cardiovascular phenotype. Identifiers: MedGen CN230736.

gnomAD v4.1: 2 of 1,613,984 alleles (0.00012%); highest among the groups gnomAD compares: East Asian, 0.0045%; no homozygotes.

Submission:

Ambry Genetics
Classification: Uncertain significance for Cardiovascular phenotype. Last evaluated: 2024-10-27. Review status: criteria provided, single submitter. Criteria: Ambry Variant Classification Scheme 2023. Collection method: clinical testing. Allele origin: germline.
Comment: The p.A2333G variant (also known as c.6998C>G) is located in coding exon 42 of the FLNC gene. The alanine at codon 2333 is replaced by glycine, an amino acid with similar properties. This change occurs in the first base pair of coding exon 42. This amino acid position is conserved. In addition, this alteration is predicted to be tolerated by in silico analysis. Based on the available evidence, the clinical significance of this variant remains unclear.